The following is an entry in ClinVar:

NM_001261826.3(AP3D1):c.1702G>T (p.Val568Leu)

Gene: AP3D1 (adaptor related protein complex 3 subunit delta 1; minus strand). Cytogenetic location: 19p13.3.
Variant type: single nucleotide variant.
Coding change: c.1702G>T on transcript NM_001261826.3 (MANE Select); coding-DNA position 1702, G replaced by T.
Protein change: p.Val568Leu; replaces valine 568 with leucine.
Molecular consequence: missense variant.
Genome position (GRCh38, 1-based): chr19:2,118,612, C>A on the plus strand (G>T on the coding strand, the complement: AP3D1 is on the minus strand). VCF-style: chr19-2118612-C-A. GRCh37 (hg19) VCF-style: chr19-2118611-C-A.
Other names: c.1702G>T, p.Val568Leu (NM_001374799.1, NM_003938.8); short protein forms V568L.
Identifiers: ClinVar variation 3693574 (VCV003693574.2).
Genomic context (GRCh38, chr19:2,118,612, plus strand): 5'-CACTGAGGGCTCCCTGAGGCTCGGCCCAACACGGAGTGTTGGATCTTACCCGCTCCTGCA[C>A]CTCCAGGTCTGCGCTCTGCACAAACTGGGGCAGCCGGTCCACCATGAGCTGGGTGACGGC-3'
Protein context (NP_001248755.1, residues 558-578): PQFVQSADLE[Val568Leu]QERASCILQL

ClinVar aggregate classification (germline): Uncertain significance (1 of 4 stars; one submission).

Submission:

Labcorp Genetics (formerly Invitae), Labcorp
Classification: Uncertain significance. Last evaluated: 2024-04-25. Review status: criteria provided, single submitter. Criteria: Invitae Variant Classification Sherloc (09022015). Collection method: clinical testing. Allele origin: germline.
Comment: This sequence change replaces valine, which is neutral and non-polar, with leucine, which is neutral and non-polar, at codon 568 of the AP3D1 protein (p.Val568Leu). This variant is not present in population databases (gnomAD no frequency). This variant has not been reported in the literature in individuals affected with AP3D1-related conditions. An algorithm developed to predict the effect of missense changes on protein structure and function (PolyPhen-2) suggests that this variant is likely to be disruptive. In summary, the available evidence is currently insufficient to determine the role of this variant in disease. Therefore, it has been classified as a Variant of Uncertain Significance.